The following is an entry in ClinVar:

ClinVar aggregate classification (germline): Pathogenic (1 of 4 stars; one submission).

Conditions:
Kabuki syndrome. Also called: Kabuki make-up syndrome; NIIKAWA-KUROKI SYNDROME. Identifiers: Orphanet 2322, MedGen C0796004, MONDO:0016512.

Submission:

Labcorp Genetics (formerly Invitae), Labcorp
Classification: Pathogenic for Kabuki syndrome. Last evaluated: 2022-05-06. Review status: criteria provided, single submitter. Criteria: Invitae Variant Classification Sherloc (09022015). Collection method: clinical testing. Allele origin: germline.
Comment: This variant is not present in population databases (gnomAD no frequency). For these reasons, this variant has been classified as Pathogenic. This variant has not been reported in the literature in individuals affected with KMT2D-related conditions. This sequence change creates a premature translational stop signal (p.Ser4393Profs*16) in the KMT2D gene. It is expected to result in an absent or disrupted protein product. Loss-of-function variants in KMT2D are known to be pathogenic (PMID: 22126750).

Literature cited by the submitters: PubMed 22126750.

NM_003482.4(KMT2D):c.13177_13178del (p.Ser4393fs)

Gene: KMT2D (lysine methyltransferase 2D; minus strand). Cytogenetic location: 12q13.12.
Variant type: Deletion.
Coding change: c.13177_13178del on transcript NM_003482.4 (MANE Select); coding-DNA positions 13177 to 13178, 2 bases deleted (AG; older notation c.13177_13178delAG).
Protein change: p.Ser4393fs; shifts the reading frame from serine 4393.
Molecular consequence: frameshift variant.
Genome position (GRCh38, 1-based): chr12:49,031,527-49,031,528, CT deleted on the plus strand (AG on the coding strand, the reverse complement: KMT2D is on the minus strand). VCF-style (leftmost placement, unchanged base first): chr12-49031526-GCT-G. GRCh37 (hg19) VCF-style: chr12-49425309-GCT-G.
Other names: short protein forms S4393fs.
Identifiers: ClinVar variation 2134554 (VCV002134554.4), dbSNP rs2498351903, ClinGen allele CA2580085604.